The following is an entry in ClinVar:

ClinVar aggregate classification (germline): Uncertain significance. Review status: criteria provided, multiple submitters, no conflicts (2 of 4 stars). 3 submissions from 3 submitters: Uncertain significance (3). Last evaluated 2025-01-30.

Conditions:
Familial meningioma. Also called: Meningioma, familial, susceptibility to. Identifiers: Orphanet 263662, MedGen C3551915, MONDO:0011789, OMIM 607174.
Neurofibromatosis, type 2 (SWNV). Also called: BILATERAL ACOUSTIC NEUROFIBROMATOSIS; NF2-Related Schwannomatosis; SCHWANNOMATOSIS, VESTIBULAR. Identifiers: Orphanet 637, MedGen C0027832, MONDO:0007039, OMIM 101000. Disease mechanism: loss of function.
Hereditary cancer-predisposing syndrome. Also called: Neoplastic Syndromes, Hereditary; Hereditary Cancer Syndrome; Hereditary neoplastic syndrome; Tumor predisposition. Identifiers: Orphanet 140162, MedGen C0027672, MeSH D009386, MONDO:0015356.

Allele frequency attached by ClinVar (database versions not stated): gnomAD exomes below 0.00001; ExAC 0.00001; TOPMed 0.00001.
gnomAD v4.1: 2 of 1,611,796 alleles (0.00012%); highest among the groups gnomAD compares: Admixed American, 0.0017%; no homozygotes.

Submissions (3):

Ambry Genetics
Classification: Uncertain significance for Hereditary cancer-predisposing syndrome. Last evaluated: 2025-01-30. Review status: criteria provided, single submitter. Criteria: Ambry Variant Classification Scheme 2023. Collection method: clinical testing. Allele origin: germline.
Comment: The p.K413E variant (also known as c.1237A>G), located in coding exon 12 of the NF2 gene, results from an A to G substitution at nucleotide position 1237. The lysine at codon 413 is replaced by glutamic acid, an amino acid with similar properties. This variant was reported in individual(s) with features consistent with neurofibromatosis type 2 (NF2) (Bourn D et al. Hum Genet, 1995 May;95:572-4). This amino acid position is well conserved in available vertebrate species. In addition, the in silico prediction for this alteration is inconclusive. Based on the available evidence, the clinical significance of this variant remains unclear.

Labcorp Genetics (formerly Invitae), Labcorp
Classification: Uncertain significance for Neurofibromatosis, type 2. Last evaluated: 2024-08-17. Review status: criteria provided, single submitter. Criteria: Invitae Variant Classification Sherloc (09022015). Collection method: clinical testing. Allele origin: germline.
Comment: This sequence change replaces lysine, which is basic and polar, with glutamic acid, which is acidic and polar, at codon 413 of the NF2 protein (p.Lys413Glu). This variant is present in population databases (rs766974263, gnomAD 0.003%). This missense change has been observed in individual(s) with clinical features of neurofibromatosis type 2 (PMID: 7759081). ClinVar contains an entry for this variant (Variation ID: 1043876). Invitae Evidence Modeling of protein sequence and biophysical properties (such as structural, functional, and spatial information, amino acid conservation, physicochemical variation, residue mobility, and thermodynamic stability) indicates that this missense variant is not expected to disrupt NF2 protein function with a negative predictive value of 80%. Experimental studies are conflicting or provide insufficient evidence to determine the effect of this variant on NF2 function (PMID: 9466988, 9931334, 11535133, 24309211, 24595234). In summary, the available evidence is currently insufficient to determine the role of this variant in disease. Therefore, it has been classified as a Variant of Uncertain Significance.

Baylor Genetics
Classification: Uncertain significance for Familial meningioma. Last evaluated: 2023-09-19. Review status: criteria provided, single submitter. Criteria: ACMG Guidelines, 2015. Collection method: clinical testing. Allele origin: unknown.

Literature cited by the submitters: PubMed 7759081 (cited by Ambry Genetics and Labcorp Genetics (formerly Invitae), Labcorp); PubMed 9466988 (cited by Labcorp Genetics (formerly Invitae), Labcorp); PubMed 9931334 (cited by Labcorp Genetics (formerly Invitae), Labcorp); PubMed 11535133 (cited by Labcorp Genetics (formerly Invitae), Labcorp); PubMed 24309211 (cited by Labcorp Genetics (formerly Invitae), Labcorp); PubMed 24595234 (cited by Labcorp Genetics (formerly Invitae), Labcorp).

NM_000268.4(NF2):c.1237A>G (p.Lys413Glu)

Gene: NF2 (NF2, moesin-ezrin-radixin like (MERLIN) tumor suppressor; plus strand). Cytogenetic location: 22q12.2.
Variant type: single nucleotide variant.
Coding change: c.1237A>G on transcript NM_000268.4 (MANE Select); coding-DNA position 1237, A replaced by G.
Protein change: p.Lys413Glu; replaces lysine 413 with glutamic acid.
Molecular consequence: missense variant. On other transcripts: non-coding transcript variant (1), intron variant (1).
Genome position (GRCh38, 1-based): chr22:29,673,383, A>G. VCF-style: chr22-29673383-A-G. GRCh37 (hg19) VCF-style: chr22-30069372-A-G.
Other names: c.1237A>G (NM_000268.3); c.1237A>G, p.Lys413Glu (NM_016418.5, NM_181825.3, NM_181832.3); c.1111A>G, p.Lys371Glu (NM_181828.3); c.1114A>G, p.Lys372Glu (NM_181829.3); c.988A>G, p.Lys330Glu (NM_181830.3, NM_181831.3); c.448-21369A>G (NM_181833.3); short protein forms K330E, K371E, K413E, K372E.
Identifiers: ClinVar variation 1043876 (VCV001043876.11), dbSNP rs766974263, ClinGen allele CA037317.
Genomic context (GRCh38, chr22:29,673,383, plus strand): 5'-GAGGAGGCAAAACTTCTGGCCCAGAAGGCCGCAGAGGCTGAGCAGGAAATGCAGCGCATC[A>G]AGGCCACAGCGATTCGCACGGAGGAGGAGAAGCGCCTGATGGAGCAGAAGGTGCTGGAAG-3'
Protein context (NP_000259.1, residues 403-423): AEAEQEMQRI[Lys413Glu]ATAIRTEEEK